The following is an entry in ClinVar:

ClinVar aggregate classification (germline): Conflicting classifications of pathogenicity. Review status: criteria provided, conflicting classifications (1 of 4 stars). 4 submissions from 4 submitters: Uncertain significance (2); Benign (1); Likely benign (1). Last evaluated 2026-01-14.

Conditions:
Cerebral cavernous malformation 2. Also called: Familial Cerebral Cavernous Malformation 2. Identifiers: Orphanet 221061, MedGen C1864041, MONDO:0011304, OMIM 603284.

Allele frequency attached by ClinVar (database versions not stated): TOPMed 0.00010; gnomAD 0.00011 and 0.00012; 1000 Genomes Project 30x 0.00016; 1000 Genomes Project 0.00020; ExAC 0.00023; gnomAD exomes 0.00023.
gnomAD v4.1: 86 of 1,614,140 alleles (0.0053%); highest among the groups gnomAD compares: East Asian, 0.12%; no homozygotes.

Submissions (4):

Labcorp Genetics (formerly Invitae), Labcorp
Classification: Likely benign for Cerebral cavernous malformation 2. Last evaluated: 2026-01-14. Review status: criteria provided, single submitter. Criteria: Invitae Variant Classification Sherloc (09022015). Collection method: clinical testing. Allele origin: germline.

CeGaT Center for Human Genetics Tuebingen
Classification: Benign. Last evaluated: 2022-06-01. Review status: criteria provided, single submitter. Criteria: CeGaT Center For Human Genetics Tuebingen Variant Classification Criteria Version 2. Collection method: clinical testing. Allele origin: germline. Affected: yes. Observed: 1 variant allele.
Comment: CCM2: BS1, BS2

Department of Pathology and Laboratory Medicine, Sinai Health System
Classification: Uncertain significance for cerebral cavernous malformation 2. Last evaluated: 2021-07-30. Review status: criteria provided, single submitter. Criteria: ACMG Guidelines, 2015. Collection method: research. Allele origin: germline.

PreventionGenetics, part of Exact Sciences
Classification: Uncertain significance. Last evaluated: 2015-10-14. Review status: criteria provided, single submitter. Criteria: ACMG Guidelines, 2015. Collection method: clinical testing. Allele origin: germline.

NM_031443.4(CCM2):c.568G>A (p.Val190Met)

Gene: CCM2 (CCM2 scaffold protein; plus strand). Cytogenetic location: 7p13.
Variant type: single nucleotide variant.
Coding change: c.568G>A on transcript NM_031443.4 (MANE Select); coding-DNA position 568, G replaced by A.
Protein change: p.Val190Met; replaces valine 190 with methionine.
Molecular consequence: missense variant. On other transcripts: non-coding transcript variant (1), intron variant (1).
Genome position (GRCh38, 1-based): chr7:45,068,538, G>A. VCF-style: chr7-45068538-G-A. GRCh37 (hg19) VCF-style: chr7-45108137-G-A.
Other names: c.631G>A, p.Val211Met (NM_001029835.2); c.394G>A, p.Val132Met (NM_001167934.2, NM_001363459.2); c.568G>A, p.Val190Met (NM_001363458.2); c.472+3892G>A (NM_001167935.2); short protein forms V190M, V211M, V132M.
Identifiers: ClinVar variation 590660 (VCV000590660.34), dbSNP rs200358025, ClinGen allele CA4247031.